The following is an entry in ClinVar:

NM_000322.5(PRPH2):c.377T>C (p.Leu126Pro)

Gene: PRPH2 (peripherin 2; minus strand). Cytogenetic location: 6p21.1.
Variant type: single nucleotide variant.
Coding change: c.377T>C on transcript NM_000322.5 (MANE Select); coding-DNA position 377, T replaced by C.
Protein change: p.Leu126Pro; replaces leucine 126 with proline.
Molecular consequence: missense variant.
Genome position (GRCh38, 1-based): chr6:42,721,958, A>G on the plus strand (T>C on the coding strand, the complement: PRPH2 is on the minus strand). VCF-style: chr6-42721958-A-G. GRCh37 (hg19) VCF-style: chr6-42689696-A-G.
Other names: short protein forms L126P.
Identifiers: ClinVar variation 1175243 (VCV001175243.7), dbSNP rs2152010976, ClinGen allele CA364137692.

ClinVar aggregate classification (germline): Pathogenic. Review status: criteria provided, single submitter (1 of 4 stars). 2 submissions from 2 submitters: Pathogenic (1). 1 of the submissions does not count toward it. Last evaluated 2025-01-19.

Conditions:
PRPH2-related disorder. Also called: PRPH2-related disorders; PRPH2-related condition. Identifiers: MedGen CN239395.

Submissions (2):

Labcorp Genetics (formerly Invitae), Labcorp
Classification: Pathogenic for PRPH2-related disorder. Last evaluated: 2025-01-19. Review status: criteria provided, single submitter. Criteria: Invitae Variant Classification Sherloc (09022015). Collection method: clinical testing. Allele origin: germline.
Comment: This sequence change replaces leucine, which is neutral and non-polar, with proline, which is neutral and non-polar, at codon 126 of the PRPH2 protein (p.Leu126Pro). This variant is not present in population databases (gnomAD no frequency). This missense change has been observed in individuals with autosomal dominant retinitis pigmentosa (PMID: 19038374, 25447119; internal data). ClinVar contains an entry for this variant (Variation ID: 1175243). Invitae Evidence Modeling of protein sequence and biophysical properties (such as structural, functional, and spatial information, amino acid conservation, physicochemical variation, residue mobility, and thermodynamic stability) indicates that this missense variant is expected to disrupt PRPH2 protein function with a positive predictive value of 95%. For these reasons, this variant has been classified as Pathogenic.

Leiden Open Variation Database
Classification: Likely pathogenic. Last evaluated: 2021-04-06. Review status: no assertion criteria provided. Collection method: curation. Allele origin: germline. Affected: yes. Not counted in ClinVar's aggregate classification.
Comment: Curator: Global Variome, with Curator vacancy. Submitter to LOVD: Manon Peeters.

Literature cited by the submitters: PubMed 19038374 (cited by Labcorp Genetics (formerly Invitae), Labcorp and Leiden Open Variation Database); PubMed 25447119 (cited by Labcorp Genetics (formerly Invitae), Labcorp and Leiden Open Variation Database).